The following is an entry in ClinVar:

NM_001737.5(C9):c.1209_1222del (p.Asp403fs)

Gene: C9 (complement C9; minus strand). Cytogenetic location: 5p13.1.
Variant type: Deletion.
Coding change: c.1209_1222del on transcript NM_001737.5 (MANE Select); coding-DNA positions 1209 to 1222, 14 bases deleted (TGATTGTGTAAAGA).
Protein change: p.Asp403fs; shifts the reading frame from aspartic acid 403.
Molecular consequence: frameshift variant.
Genome position (GRCh38, 1-based): chr5:39,308,248-39,308,261, TCTTTACACAATCA deleted on the plus strand (TGATTGTGTAAAGA on the coding strand, the reverse complement: C9 is on the minus strand); deleting any 14 consecutive bases within chr5:39,308,248-39,308,267 gives the same sequence; the c. name uses the placement nearest the transcript's 3' end. VCF-style (leftmost placement, unchanged base first): chr5-39308247-CTCTTTACACAATCA-C. GRCh37 (hg19) VCF-style: chr5-39308349-CTCTTTACACAATCA-C.
Other names: c.1209_1222del14 (NM_001737.4); short protein forms D403fs.
Identifiers: ClinVar variation 1323999 (VCV001323999.10), dbSNP rs767328870, ClinGen allele CA3246760.
Genomic context (GRCh38, chr5:39,308,247, plus strand): 5'-ACCCTCAGGCTTTATAAAATCTAACAAGTGAGGCCACACTTACCAGCTCTACCCTCTCCC[CTCTTTACACAATCA>C]TCTTTATTAAATTCAGCTCCAACAGAGATTTCAGAGAAAGCCAGAGATACATCCAGATGA-3'

ClinVar aggregate classification (germline): Pathogenic/Likely pathogenic. Review status: criteria provided, multiple submitters, no conflicts (2 of 4 stars). 4 submissions from 4 submitters: Pathogenic (1); Likely pathogenic (3). Last evaluated 2026-01-04.

Conditions:
C9-related disorders.
C9-related disorder. Also called: C9-related condition.

Submissions (4):

Labcorp Genetics (formerly Invitae), Labcorp
Classification: Pathogenic. Last evaluated: 2026-01-04. Review status: criteria provided, single submitter. Criteria: Invitae Variant Classification Sherloc (09022015). Collection method: clinical testing. Allele origin: germline.
Comment: This sequence change creates a premature translational stop signal (p.Asp403Glufs*5) in the C9 gene. It is expected to result in an absent or disrupted protein product. Loss-of-function variants in C9 are known to be pathogenic (PMID: 9144525, 9570574). This variant is present in population databases (rs767328870, gnomAD 0.01%). This variant has not been reported in the literature in individuals affected with C9-related conditions. ClinVar contains an entry for this variant (Variation ID: 1323999). For these reasons, this variant has been classified as Pathogenic.

PreventionGenetics, part of Exact Sciences
Classification: Likely pathogenic for C9-related condition. Last evaluated: 2025-11-17. Review status: criteria provided, single submitter. Criteria: ACMG Guidelines, 2015. Collection method: clinical testing. Allele origin: germline.
Comment: The C9 c.1209_1222del14 variant is predicted to result in a frameshift and premature protein termination (p.Asp403Glufs*5). To our knowledge, this variant has not been reported in the literature. This variant is reported in 0.012% of alleles in individuals of African descent in gnomAD. Frameshift variants in C9 are expected to be pathogenic. This variant is interpreted as likely pathogenic.

Blueprint Genetics
Classification: Likely pathogenic for C9-related disorders. Last evaluated: 2023-10-23. Review status: criteria provided, single submitter. Criteria: ACMG Guidelines, 2015. Collection method: clinical testing. Allele origin: germline. Affected: yes. Observed: 5 variant alleles.

AiLife Diagnostics
Classification: Likely pathogenic. Last evaluated: 2022-03-09. Review status: criteria provided, single submitter. Criteria: ACMG Guidelines, 2015. Collection method: clinical testing. Allele origin: germline. Affected: yes. Observed: 1 variant allele.

Literature cited by the submitters: PubMed 9144525 (cited by Labcorp Genetics (formerly Invitae), Labcorp); PubMed 9570574 (cited by Labcorp Genetics (formerly Invitae), Labcorp).